The following is an entry in ClinVar:

ClinVar aggregate classification (germline): Conflicting classifications of pathogenicity. Review status: criteria provided, conflicting classifications (1 of 4 stars). 7 submissions from 7 submitters: Uncertain significance (2); Likely benign (4). 1 of the submissions does not count toward it. Last evaluated 2025-11-09.

Conditions:
Duchenne muscular dystrophy (DMD). Also called: Duchenne Muscular Dystrophy (DMD); MUSCULAR DYSTROPHY, PSEUDOHYPERTROPHIC PROGRESSIVE, DUCHENNE TYPE. Identifiers: Orphanet 98896, MedGen C0013264, MONDO:0010679, OMIM 310200.
Dilated cardiomyopathy 3B (CMD3B). Also called: CMD3B: DMD-Related Dilated Cardiomyopathy; CARDIOMYOPATHY, DILATED, X-LINKED; DMD-Associated Dilated Cardiomyopathy. Identifiers: Orphanet 154, MedGen C3668940, MONDO:0010542, OMIM 302045.
Becker muscular dystrophy (BMD). Also called: Becker Muscular Dystrophy (BMD); MUSCULAR DYSTROPHY, PSEUDOHYPERTROPHIC PROGRESSIVE, BECKER TYPE. Identifiers: Orphanet 98895, MedGen C0917713, MONDO:0010311, OMIM 300376.
Dystrophin deficiency.
Cardiomyopathy (CMYO). Also called: Cardiomyopathies. Identifiers: Orphanet 167848, MedGen C0878544, MONDO:0004994, HP:0001638. Inheritance: Various modes of inheritance.
Cardiovascular phenotype. Identifiers: MedGen CN230736.

Allele frequency attached by ClinVar (database versions not stated): gnomAD exomes 0.00001 and 0.00005; ExAC 0.00008; ESP Exome Variant Server 0.00009; gnomAD 0.00017 and 0.00019; TOPMed 0.00019.
gnomAD v4.1: 28 of 1,205,567 alleles (0.0023%); highest among the groups gnomAD compares: African/African-American, 0.046%; no homozygotes.

Submissions (7):

Labcorp Genetics (formerly Invitae), Labcorp
Classification: Likely benign for Duchenne muscular dystrophy. Last evaluated: 2025-11-09. Review status: criteria provided, single submitter. Criteria: Invitae Variant Classification Sherloc (09022015). Collection method: clinical testing. Allele origin: germline.

Blueprint Genetics
Classification: Likely benign. Last evaluated: 2023-03-01. Review status: criteria provided, single submitter. Criteria: ACMG Guidelines, 2015. Collection method: clinical testing. Allele origin: germline.

Fulgent Genetics
Classification: Likely benign for Becker muscular dystrophy; Dilated cardiomyopathy 3B; Duchenne muscular dystrophy. Last evaluated: 2021-10-19. Review status: criteria provided, single submitter. Criteria: ACMG Guidelines, 2015. Collection method: clinical testing. Allele origin: unknown.

Ambry Genetics
Classification: Likely benign for Cardiovascular phenotype. Last evaluated: 2021-04-06. Review status: criteria provided, single submitter. Criteria: Ambry Variant Classification Scheme 2023. Collection method: clinical testing. Allele origin: germline.

Revvity Omics, Revvity
Classification: Uncertain significance. Last evaluated: 2019-05-07. Review status: criteria provided, single submitter. Criteria: ACMG Guidelines, 2015. Collection method: clinical testing. Allele origin: germline.

Center for Genomics, Ann and Robert H. Lurie Children's Hospital of Chicago
Classification: Uncertain significance for Becker muscular dystrophy; Dilated cardiomyopathy 3B; Duchenne muscular dystrophy. Review status: criteria provided, single submitter. Criteria: ACMG Guidelines, 2015. Collection method: clinical testing. Allele origin: germline.
Comment: DMD NM_004006.2 exon 25 p.Leu1127Val (c.3379C>G): This variant has not been reported in the literature and is present in 0.07% (13/18558) of African alleles in the Genome Aggregation Database, including 3 hemizygotes. This variant amino acid Valine (Val) is present in multiple species including the opossum, tasmanian devil, and the wallaby, and it is not well conserved among evolutionarily distant species; this suggests that this variant may not impact the protein. Additional computational prediction tools do not suggest an impact. In summary, data on this variant is insufficient for disease classification. Therefore, the clinical significance of this variant is uncertain.

Natera, Inc.
Classification: Likely benign for Becker muscular dystrophy; Cardiomyopathy; Duchenne muscular dystrophy; Dystrophin deficiency. Last evaluated: 2019-05-20. Review status: no assertion criteria provided. Collection method: clinical testing. Allele origin: germline. Not counted in ClinVar's aggregate classification.

NM_004006.3(DMD):c.3379C>G (p.Leu1127Val)

Gene: DMD (dystrophin; minus strand). Cytogenetic location: Xp21.1.
Variant type: single nucleotide variant.
Coding change: c.3379C>G on transcript NM_004006.3 (MANE Select); coding-DNA position 3379, C replaced by G.
Protein change: p.Leu1127Val; replaces leucine 1127 with valine.
Molecular consequence: missense variant.
Genome position (GRCh38, 1-based): chrX:32,463,492, G>C on the plus strand (C>G on the coding strand, the complement: DMD is on the minus strand). VCF-style: chrX-32463492-G-C. GRCh37 (hg19) VCF-style: chrX-32481609-G-C.
Other names: c.3355C>G, p.Leu1119Val (NM_000109.4); c.3367C>G, p.Leu1123Val (NM_004009.3); c.3010C>G, p.Leu1004Val (NM_004010.3); short protein forms L1119V, L1127V, L1123V, L1004V.
Identifiers: ClinVar variation 728126 (VCV000728126.20), dbSNP rs141887693, ClinGen allele CA10379296.